The following is an entry in ClinVar:

ClinVar aggregate classification (germline): Uncertain significance (1 of 4 stars; one submission).

Conditions:
RYR1-related disorder. Also called: RYR1-related condition; RYR1-related disorders. Identifiers: MedGen CN239331.

Allele frequency attached by ClinVar (database versions not stated): ExAC 0.00001; gnomAD exomes 0.00001.

Submission:

Labcorp Genetics (formerly Invitae), Labcorp
Classification: Uncertain significance for RYR1-related disorder. Last evaluated: 2022-05-20. Review status: criteria provided, single submitter. Criteria: Invitae Variant Classification Sherloc (09022015). Collection method: clinical testing. Allele origin: germline.
Comment: This sequence change replaces alanine, which is neutral and non-polar, with valine, which is neutral and non-polar, at codon 1962 of the RYR1 protein (p.Ala1962Val). The frequency data for this variant in the population databases is considered unreliable, as metrics indicate poor data quality at this position in the gnomAD database. This variant has not been reported in the literature in individuals affected with RYR1-related conditions. ClinVar contains an entry for this variant (Variation ID: 478242). Advanced modeling of protein sequence and biophysical properties (such as structural, functional, and spatial information, amino acid conservation, physicochemical variation, residue mobility, and thermodynamic stability) performed at Invitae indicates that this missense variant is not expected to disrupt RYR1 protein function. In summary, the available evidence is currently insufficient to determine the role of this variant in disease. Therefore, it has been classified as a Variant of Uncertain Significance.

NM_000540.3(RYR1):c.5885C>T (p.Ala1962Val)

Gene: RYR1 (ryanodine receptor 1; plus strand). Cytogenetic location: 19q13.2.
Variant type: single nucleotide variant.
Coding change: c.5885C>T on transcript NM_000540.3 (MANE Select); coding-DNA position 5885, C replaced by T.
Protein change: p.Ala1962Val; replaces alanine 1962 with valine.
Molecular consequence: missense variant.
Genome position (GRCh38, 1-based): chr19:38,490,146, C>T. VCF-style: chr19-38490146-C-T. GRCh37 (hg19) VCF-style: chr19-38980786-C-T.
Other names: c.5885C>T, p.Ala1962Val (NM_001042723.2); short protein forms A1962V.
Identifiers: ClinVar variation 478242 (VCV000478242.6), dbSNP rs751621150, ClinGen allele CA067534.
Genomic context (GRCh38, chr19:38,490,146, plus strand): 5'-TGCTGGAGTATTTCTGTGACCAAGAGCTGCAGCACCGTGTGGAGTCCCTGGCAGCCTTTG[C>T]GGAGCGCTATGTGGACAAGCTCCAGGCCAACCAGCGGAGCCGCTATGGCCTCCTCATAAA-3'
Protein context (NP_000531.2, residues 1952-1972): QHRVESLAAF[Ala1962Val]ERYVDKLQAN